The following is an entry in ClinVar:

ClinVar aggregate classification (germline): Likely pathogenic. Review status: criteria provided, single submitter (1 of 4 stars). 2 submissions from 2 submitters: Likely pathogenic (1). 1 of the submissions does not count toward it. Last evaluated 2022-09-28.

Conditions:
FANCA-related disorders.
Fanconi anemia complementation group A (FANCA). Also called: Fanconi anemia, group A; FANCA-Related Fanconi Anemia. Identifiers: Orphanet 84, MedGen C3469521, MONDO:0009215, OMIM 227650.

Submissions (2):

Blueprint Genetics
Classification: Likely pathogenic for FANCA-related disorders. Last evaluated: 2022-09-28. Review status: criteria provided, single submitter. Criteria: ACMG Guidelines, 2015. Collection method: clinical testing. Allele origin: germline. Affected: yes. Observed: 1 variant allele.

Leiden Open Variation Database
Classification: Uncertain significance for Fanconi anemia complementation group A. Last evaluated: 2020-02-28. Review status: no assertion criteria provided. Collection method: curation. Allele origin: germline. Affected: yes. Not counted in ClinVar's aggregate classification.
Comment: Curator: Arleen D. Auerbach. Submitter to LOVD: Arleen D. Auerbach.

NM_000135.4(FANCA):c.3408+1G>A

Genes: FANCA (FA complementation group A; minus strand), LOC132090450 (Neanderthal introgressed variant-containing enhancer experimental_46718; plus strand). Cytogenetic location: 16q24.3.
Variant type: single nucleotide variant.
Coding change: c.3408+1G>A on transcript NM_000135.4 (MANE Select); the canonical splice donor site of the intron after coding-DNA position 3408, G replaced by A.
Molecular consequence: splice donor variant.
Genome position (GRCh38, 1-based): chr16:89,746,830, C>T on the plus strand (G>A on the coding strand, the complement: FANCA is on the minus strand). VCF-style: chr16-89746830-C-T. GRCh37 (hg19) VCF-style: chr16-89813238-C-T.
Other names: c.3408+1G>A (NM_001286167.3).
Identifiers: ClinVar variation 974052 (VCV000974052.2), dbSNP rs1567601557, ClinGen allele CA397486037.